The following is an entry in ClinVar:

NM_004104.5(FASN):c.3428-3C>T

Gene: FASN (fatty acid synthase; minus strand). Cytogenetic location: 17q25.3.
Variant type: single nucleotide variant.
Coding change: c.3428-3C>T on transcript NM_004104.5 (MANE Select); 3 bases into the intron before coding-DNA position 3428, C replaced by T.
Molecular consequence: intron variant.
Genome position (GRCh38, 1-based): chr17:82,086,561, G>A on the plus strand (C>T on the coding strand, the complement: FASN is on the minus strand). VCF-style: chr17-82086561-G-A. GRCh37 (hg19) VCF-style: chr17-80044437-G-A.
Identifiers: ClinVar variation 2866698 (VCV002866698.3), dbSNP rs2509836173, ClinGen allele CA2640567941.

ClinVar aggregate classification (germline): Uncertain significance (1 of 4 stars; one submission).

Conditions:
Epileptic encephalopathy. Identifiers: MedGen C0543888, HP:0200134.

gnomAD v4.1: 1 of 1,606,468 alleles (0.000062%); highest among the groups gnomAD compares: Non-Finnish European, 0.000085%; no homozygotes.

Submission:

Labcorp Genetics (formerly Invitae), Labcorp
Classification: Uncertain significance for Epileptic encephalopathy. Last evaluated: 2023-03-20. Review status: criteria provided, single submitter. Criteria: Invitae Variant Classification Sherloc (09022015). Collection method: clinical testing. Allele origin: germline.
Comment: Variants that disrupt the consensus splice site are a relatively common cause of aberrant splicing (PMID: 17576681, 9536098). Algorithms developed to predict the effect of sequence changes on RNA splicing suggest that this variant is not likely to affect RNA splicing. In summary, the available evidence is currently insufficient to determine the role of this variant in disease. Therefore, it has been classified as a Variant of Uncertain Significance. This variant has not been reported in the literature in individuals affected with FASN-related conditions. This variant is not present in population databases (gnomAD no frequency). This sequence change falls in intron 21 of the FASN gene. It does not directly change the encoded amino acid sequence of the FASN protein. It affects a nucleotide within the consensus splice site.

Literature cited by the submitters: PubMed 17576681; PubMed 9536098.